The following is an entry in ClinVar:

NM_000051.4(ATM):c.2289del (p.Phe763fs)

Gene: ATM (ATM serine/threonine kinase; plus strand). Cytogenetic location: 11q22.3.
Variant type: Deletion.
Coding change: c.2289del on transcript NM_000051.4 (MANE Select); coding-DNA position 2289, one base deleted (T; older notation c.2289delT).
Protein change: p.Phe763fs; shifts the reading frame from phenylalanine 763.
Molecular consequence: frameshift variant.
Genome position (GRCh38, 1-based): chr11:108,257,519, T deleted; the last of 3 consecutive T bases (chr11:108,257,517-108,257,519); deleting any one gives the same sequence. VCF-style (leftmost placement, unchanged base first): chr11-108257516-GT-G. GRCh37 (hg19) VCF-style: chr11-108128243-GT-G.
Other names: c.2289del, p.Phe763fs (NM_001351834.2); short protein forms F763fs.
Identifiers: ClinVar variation 1789056 (VCV001789056.2), dbSNP rs2497384941, ClinGen allele CA2580083344.
Genomic context (GRCh38, chr11:108,257,516, plus strand): 5'-GCATTTTTCCTTCTATTCACAATAGTCTCTAATGCAATGTGCAGGAGAAAGTATCACTCT[GT>G]TTAAAAATAAGACAAATGAGGAATTCAGAATTGGTTCCTTGAGAAATATGATGCAGCTAT-3'

ClinVar aggregate classification (germline): Pathogenic. Review status: criteria provided, multiple submitters, no conflicts (2 of 4 stars). 2 submissions from 2 submitters: Pathogenic (2). Last evaluated 2024-01-17.

Conditions:
Hereditary cancer-predisposing syndrome. Also called: Hereditary Cancer Syndrome; Hereditary neoplastic syndrome; Tumor predisposition; Neoplastic Syndromes, Hereditary. Identifiers: Orphanet 140162, MedGen C0027672, MeSH D009386, MONDO:0015356.
Familial cancer of breast. Also called: BREAST CANCER, FAMILIAL; Hereditary breast cancer; hereditary breast carcinoma. Identifiers: Orphanet 227535, MedGen C0346153, MONDO:0016419, OMIM 114480. Disease mechanism: loss of function.

Submissions (2):

Myriad Genetics, Inc.
Classification: Pathogenic for Familial cancer of breast. Last evaluated: 2024-01-17. Review status: criteria provided, single submitter. Criteria: Myriad Autosomal Dominant, Autosomal Recessive and X-Linked Classification Criteria (2023). Collection method: clinical testing. Allele origin: unknown.
Comment: This variant is considered pathogenic. This variant creates a frameshift predicted to result in premature protein truncation.

Ambry Genetics
Classification: Pathogenic for Hereditary cancer-predisposing syndrome. Last evaluated: 2019-04-30. Review status: criteria provided, single submitter. Criteria: Ambry Variant Classification Scheme 2023. Collection method: clinical testing. Allele origin: germline.
Comment: The c.2289delT pathogenic mutation, located in coding exon 14 of the ATM gene, results from a deletion of one nucleotide at nucleotide position 2289, causing a translational frameshift with a predicted alternate stop codon (p.F763Lfs*14). This alteration is expected to result in loss of function by premature protein truncation or nonsense-mediated mRNA decay. As such, this alteration is interpreted as a disease-causing mutation.